The following is an entry in ClinVar:

ClinVar aggregate classification (germline): Uncertain significance (1 of 4 stars; one submission).

Submission:

Ambry Genetics
Classification: Uncertain significance. Last evaluated: 2024-08-17. Review status: criteria provided, single submitter. Criteria: Ambry Variant Classification Scheme 2023. Collection method: clinical testing. Allele origin: germline.
Comment: The p.L305I variant (also known as c.913C>A), located in coding exon 9 of the KIF1B gene, results from a C to A substitution at nucleotide position 913. The leucine at codon 305 is replaced by isoleucine, an amino acid with highly similar properties. This amino acid position is conserved. In addition, this alteration is predicted to be deleterious by in silico analysis. Based on the available evidence, the clinical significance of this variant remains unclear.

NM_001365951.3(KIF1B):c.931C>A (p.Leu311Ile)

Gene: KIF1B (kinesin family member 1B; plus strand). Cytogenetic location: 1p36.22.
Variant type: single nucleotide variant.
Coding change: c.931C>A on transcript NM_001365951.3 (MANE Select); coding-DNA position 931, C replaced by A.
Protein change: p.Leu311Ile; replaces leucine 311 with isoleucine.
Molecular consequence: missense variant.
Genome position (GRCh38, 1-based): chr1:10,275,476, C>A. VCF-style: chr1-10275476-C-A. GRCh37 (hg19) VCF-style: chr1-10335534-C-A.
Other names: c.931C>A, p.Leu311Ile (NM_001365952.1); c.913C>A, p.Leu305Ile (NM_001365953.1, NM_015074.3, NM_183416.4); short protein forms L311I, L305I.
Identifiers: ClinVar variation 3533975 (VCV003533975.1).